The following is an entry in ClinVar:

ClinVar aggregate classification (germline): Uncertain significance (1 of 4 stars; one submission).

Conditions:
Bardet-Biedl syndrome (BBS). Identifiers: Orphanet 110, MedGen C0752166, MONDO:0015229.

Submission:

Labcorp Genetics (formerly Invitae), Labcorp
Classification: Uncertain significance for Bardet-Biedl syndrome. Last evaluated: 2022-08-19. Review status: criteria provided, single submitter. Criteria: Invitae Variant Classification Sherloc (09022015). Collection method: clinical testing. Allele origin: germline.
Comment: This variant has not been reported in the literature in individuals affected with BBS2-related conditions. In summary, the available evidence is currently insufficient to determine the role of this variant in disease. Therefore, it has been classified as a Variant of Uncertain Significance. Algorithms developed to predict the effect of missense changes on protein structure and function output the following: SIFT: "Tolerated"; PolyPhen-2: "Benign"; Align-GVGD: "Class C0". The serine amino acid residue is found in multiple mammalian species, which suggests that this missense change does not adversely affect protein function. ClinVar contains an entry for this variant (Variation ID: 1425578). This variant is not present in population databases (gnomAD no frequency). This sequence change replaces asparagine, which is neutral and polar, with serine, which is neutral and polar, at codon 528 of the BBS2 protein (p.Asn528Ser).

NM_031885.5(BBS2):c.1583A>G (p.Asn528Ser)

Gene: BBS2 (Bardet-Biedl syndrome 2; minus strand). Cytogenetic location: 16q13.
Variant type: single nucleotide variant.
Coding change: c.1583A>G on transcript NM_031885.5 (MANE Select); coding-DNA position 1583, A replaced by G.
Protein change: p.Asn528Ser; replaces asparagine 528 with serine.
Molecular consequence: missense variant. On other transcripts: non-coding transcript variant (5).
Genome position (GRCh38, 1-based): chr16:56,498,513, T>C on the plus strand (A>G on the coding strand, the complement: BBS2 is on the minus strand). VCF-style: chr16-56498513-T-C. GRCh37 (hg19) VCF-style: chr16-56532425-T-C.
Other names: c.1583A>G, p.Asn528Ser (NM_001377456.1); short protein forms N528S.
Identifiers: ClinVar variation 1425578 (VCV001425578.6), dbSNP rs2144134843, ClinGen allele CA395976835.